The following is an entry in ClinVar:

NM_198253.3(TERT):c.1736G>T (p.Ser579Ile)

Gene: TERT (telomerase reverse transcriptase; minus strand). Cytogenetic location: 5p15.33.
Variant type: single nucleotide variant.
Coding change: c.1736G>T on transcript NM_198253.3 (MANE Select); coding-DNA position 1736, G replaced by T.
Protein change: p.Ser579Ile; replaces serine 579 with isoleucine.
Molecular consequence: missense variant. On other transcripts: non-coding transcript variant (2).
Genome position (GRCh38, 1-based): chr5:1,282,462, C>A on the plus strand (G>T on the coding strand, the complement: TERT is on the minus strand). VCF-style: chr5-1282462-C-A. GRCh37 (hg19) VCF-style: chr5-1282577-C-A.
Other names: c.1736G>T (NM_198253.2); c.1736G>T, p.Ser579Ile (NM_001193376.3); short protein forms S579I.
Identifiers: ClinVar variation 1057851 (VCV001057851.11), dbSNP rs1176093960, ClinGen allele CA359082887.
Genomic context (GRCh38, chr5:1,282,462, plus strand): 5'-CAGAGGCCTGGCGTGGGGATACAGTACCTGATTCCAATGCTTTGCAACTTGCTCCAGACA[C>A]TCTTCCGGTAGAAAAAGAGCCTGTTCTTTTGAAACGTGGTCTCCGTGACATAAAAGAAAG-3'
Protein context (NP_937983.2, residues 569-589): QKNRLFFYRK[Ser579Ile]VWSKLQSIGI

ClinVar aggregate classification (germline): Uncertain significance. Review status: criteria provided, multiple submitters, no conflicts (2 of 4 stars). 2 submissions from 2 submitters: Uncertain significance (2). Last evaluated 2023-01-12.

Conditions:
Dyskeratosis congenita, autosomal dominant 2. Identifiers: MedGen C3151443, MONDO:0013521, OMIM 613989.
Idiopathic Pulmonary Fibrosis. Also called: Idiopathic fibrosing alveolitis, chronic form; idiopathic fibrosing alveolitis. Identifiers: Orphanet 2032, MedGen C1800706, MeSH D054990, MONDO:0800504.
Dyskeratosis congenita. Identifiers: Orphanet 1775, MedGen C0265965, MONDO:0015780.

Allele frequency attached by ClinVar (database versions not stated): TOPMed below 0.00001; gnomAD 0.00001.
gnomAD v4.1: 2 of 1,614,076 alleles (0.00012%); highest among the groups gnomAD compares: Non-Finnish European, 0.00017%; no homozygotes.

Submissions (2):

Ambry Genetics
Classification: Uncertain significance for Dyskeratosis congenita. Last evaluated: 2023-01-12. Review status: criteria provided, single submitter. Criteria: Ambry Variant Classification Scheme 2023. Collection method: clinical testing. Allele origin: germline.
Comment: The p.S579I variant (also known as c.1736G>T), located in coding exon 3 of the TERT gene, results from a G to T substitution at nucleotide position 1736. The serine at codon 579 is replaced by isoleucine, an amino acid with dissimilar properties. This amino acid position is conserved. In addition, the in silico prediction for this alteration is inconclusive. Since supporting evidence is limited at this time, the clinical significance of this alteration remains unclear.

Labcorp Genetics (formerly Invitae), Labcorp
Classification: Uncertain significance for Dyskeratosis congenita, autosomal dominant 2; Idiopathic Pulmonary Fibrosis. Last evaluated: 2020-06-25. Review status: criteria provided, single submitter. Criteria: Invitae Variant Classification Sherloc (09022015). Collection method: clinical testing. Allele origin: germline.
Comment: Algorithms developed to predict the effect of missense changes on protein structure and function are either unavailable or do not agree on the potential impact of this missense change (SIFT: "Tolerated"; PolyPhen-2: "Possibly Damaging"; Align-GVGD: "Class C0"). This variant has not been reported in the literature in individuals with TERT-related conditions. This variant is not present in population databases (ExAC no frequency). This sequence change replaces serine with isoleucine at codon 579 of the TERT protein (p.Ser579Ile). The serine residue is weakly conserved and there is a large physicochemical difference between serine and isoleucine. In summary, the available evidence is currently insufficient to determine the role of this variant in disease. Therefore, it has been classified as a Variant of Uncertain Significance.